The following is an entry in ClinVar:

ClinVar aggregate classification (germline): Uncertain significance (1 of 4 stars; one submission).

Allele frequency attached by ClinVar (database versions not stated): gnomAD 0.00002; TOPMed 0.00002; ExAC 0.00003.
gnomAD v4.1: 59 of 1,614,048 alleles (0.0037%); highest among the groups gnomAD compares: Non-Finnish European, 0.0049%; no homozygotes.

Submission:

Labcorp Genetics (formerly Invitae), Labcorp
Classification: Uncertain significance. Last evaluated: 2022-07-14. Review status: criteria provided, single submitter. Criteria: Invitae Variant Classification Sherloc (09022015). Collection method: clinical testing. Allele origin: germline.
Comment: Algorithms developed to predict the effect of missense changes on protein structure and function are either unavailable or do not agree on the potential impact of this missense change (SIFT: "Deleterious"; PolyPhen-2: "Probably Damaging"; Align-GVGD: "Class C0"). This variant has not been reported in the literature in individuals affected with NAXD-related conditions. This variant is present in population databases (rs781273519, gnomAD 0.006%). This sequence change replaces valine, which is neutral and non-polar, with methionine, which is neutral and non-polar, at codon 241 of the NAXD protein (p.Val241Met). In summary, the available evidence is currently insufficient to determine the role of this variant in disease. Therefore, it has been classified as a Variant of Uncertain Significance.

NM_001242882.2(NAXD):c.667G>A (p.Val223Met)

Gene: NAXD (NAD(P)HX dehydratase; plus strand). Cytogenetic location: 13q34.
Variant type: single nucleotide variant.
Coding change: c.667G>A on transcript NM_001242882.2 (MANE Select); coding-DNA position 667, G replaced by A.
Protein change: p.Val223Met; replaces valine 223 with methionine.
Molecular consequence: missense variant. On other transcripts: non-coding transcript variant (2).
Genome position (GRCh38, 1-based): chr13:110,635,537, G>A. VCF-style: chr13-110635537-G-A. GRCh37 (hg19) VCF-style: chr13-111287884-G-A.
Other names: c.721G>A, p.Val241Met (NM_001242881.2, NM_018210.4); c.391G>A, p.Val131Met (NM_001242883.2); short protein forms V223M, V131M, V241M.
Identifiers: ClinVar variation 1906948 (VCV001906948.5), dbSNP rs781273519, ClinGen allele CA7051317.